The following is an entry in ClinVar:

ClinVar aggregate classification (germline): Conflicting classifications of pathogenicity. Review status: criteria provided, conflicting classifications (1 of 4 stars). 2 submissions from 2 submitters: Uncertain significance (1); Likely benign (1). Last evaluated 2022-06-20.

Conditions:
Developmental and epileptic encephalopathy, 1 (DEE1). Also called: OHTAHARA SYNDROME, X-LINKED; X-linked infantile spasms; West's syndrome; Tonic spasms with clustering, arrest of psychomotor development and hypsarrhythmia on EEG; X-Linked Infantile Spasm Syndrome; Epileptic encephalopathy, early infantile, 1. Identifiers: MedGen C3463992, MONDO:0010632, OMIM 308350. Disease mechanism: loss of function.
Autosomal recessive spinocerebellar ataxia 12. Also called: SPINOCEREBELLAR ATAXIA WITH MENTAL RETARDATION AND EPILEPSY. Identifiers: Orphanet 284282, MedGen C3280452, MONDO:0013687, OMIM 614322.
Developmental and epileptic encephalopathy, 28 (DEE28). Also called: Epileptic encephalopathy, early infantile, 28. Identifiers: Orphanet 442835, MedGen C4015519, MONDO:0014533, OMIM 616211.

Allele frequency attached by ClinVar (database versions not stated): gnomAD exomes below 0.00001; TOPMed below 0.00001; ExAC 0.00001; gnomAD 0.00001; ESP Exome Variant Server 0.00008.
gnomAD v4.1: 4 of 1,614,092 alleles (0.00025%); highest among the groups gnomAD compares: Non-Finnish European, 0.00025%; no homozygotes.

Submissions (2):

Labcorp Genetics (formerly Invitae), Labcorp
Classification: Likely benign for Developmental and epileptic encephalopathy, 1; Autosomal recessive spinocerebellar ataxia 12. Last evaluated: 2022-06-20. Review status: criteria provided, single submitter. Criteria: Invitae Variant Classification Sherloc (09022015). Collection method: clinical testing. Allele origin: germline.

Baylor Genetics
Classification: Uncertain significance for Developmental and epileptic encephalopathy, 28. Last evaluated: 2018-01-22. Review status: criteria provided, single submitter. Criteria: ACMG Guidelines, 2015. Collection method: clinical testing. Allele origin: paternal. Affected: yes.
Comment: This variant was determined to be of uncertain significance according to ACMG Guidelines, 2015 [PMID:25741868].

NM_016373.4(WWOX):c.228T>C (p.Val76=)

Gene: WWOX (WW domain containing oxidoreductase; plus strand). Cytogenetic location: 16q23.1.
Variant type: single nucleotide variant.
Coding change: c.228T>C on transcript NM_016373.4 (MANE Select); coding-DNA position 228, T replaced by C.
Protein change: p.Val76=; no amino-acid change (valine 76 retained).
Molecular consequence: synonymous variant. On other transcripts: 5 prime UTR variant (1), non-coding transcript variant (1).
Genome position (GRCh38, 1-based): chr16:78,109,833, T>C. VCF-style: chr16-78109833-T-C. GRCh37 (hg19) VCF-style: chr16-78143730-T-C.
Other names: c.-112T>C (NM_001291997.2); c.228T>C, p.Val76= (NM_130791.5).
Identifiers: ClinVar variation 540245 (VCV000540245.10), dbSNP rs370579498, ClinGen allele CA8183093.